The following is an entry in ClinVar:

NM_020764.4(CASKIN1):c.2241C>T (p.His747=)

Gene: CASKIN1 (CASK interacting protein 1; minus strand). Cytogenetic location: 16p13.3.
Variant type: single nucleotide variant.
Coding change: c.2241C>T on transcript NM_020764.4 (MANE Select); coding-DNA position 2241, C replaced by T.
Protein change: p.His747=; no amino-acid change (histidine 747 retained).
Molecular consequence: synonymous variant.
Genome position (GRCh38, 1-based): chr16:2,181,127, G>A on the plus strand (C>T on the coding strand, the complement: CASKIN1 is on the minus strand). VCF-style: chr16-2181127-G-A. GRCh37 (hg19) VCF-style: chr16-2231128-G-A.
Identifiers: ClinVar variation 4821766 (VCV004821766.4).

ClinVar aggregate classification (germline): Likely benign (1 of 4 stars; one submission).

gnomAD v4.1: 20 of 1,478,382 alleles (0.0014%); highest among the groups gnomAD compares: East Asian, 0.0095%; no homozygotes.

Submission:

CeGaT Center for Human Genetics Tuebingen
Classification: Likely benign. Last evaluated: 2026-02-01. Review status: criteria provided, single submitter. Criteria: CeGaT Center For Human Genetics Tuebingen Variant Classification Criteria Version 2. Collection method: clinical testing. Allele origin: germline. Affected: yes. Observed: 1 variant allele.
Comment: CASKIN1: BP4, BP7